The following is an entry in ClinVar:

NM_004656.4(BAP1):c.255G>A (p.Gln85=)

Gene: BAP1 (BRCA1 associated deubiquitinase 1; minus strand). Cytogenetic location: 3p21.1.
Variant type: single nucleotide variant.
Coding change: c.255G>A on transcript NM_004656.4 (MANE Select); coding-DNA position 255, G replaced by A.
Protein change: p.Gln85=; no amino-acid change (glutamine 85 retained).
Molecular consequence: synonymous variant.
Genome position (GRCh38, 1-based): chr3:52,408,474, C>T on the plus strand (G>A on the coding strand, the complement: BAP1 is on the minus strand). VCF-style: chr3-52408474-C-T. GRCh37 (hg19) VCF-style: chr3-52442490-C-T.
Other names: c.255G>A, p.Gln85= (NM_001410772.1).
Identifiers: ClinVar variation 2585681 (VCV002585681.5), dbSNP rs1705234966, ClinGen allele CA433778091.

ClinVar aggregate classification (germline): Conflicting classifications of pathogenicity. Review status: criteria provided, conflicting classifications (1 of 4 stars). 2 submissions from 2 submitters: Pathogenic (1); Uncertain significance (1). Last evaluated 2026-04-29.

Conditions:
BAP1-related tumor predisposition syndrome (TPDS1). Also called: COMMON Syndrome; TUMOR PREDISPOSITION SYNDROME 1; BAP1 tumor predisposition syndrome; Tumor susceptibility linked to germline BAP1 mutations. Identifiers: Orphanet 289539, MedGen C3280492, MONDO:0013692, OMIM 614327.
Hereditary cancer-predisposing syndrome. Also called: Neoplastic Syndromes, Hereditary; Tumor predisposition; Hereditary Cancer Syndrome; Hereditary neoplastic syndrome. Identifiers: Orphanet 140162, MedGen C0027672, MeSH D009386, MONDO:0015356.

Submissions (2):

Ambry Genetics
Classification: Pathogenic for Hereditary cancer-predisposing syndrome. Last evaluated: 2026-04-29. Review status: criteria provided, single submitter. Criteria: Ambry Variant Classification Scheme 2023. Collection method: clinical testing. Allele origin: germline.
Comment: The c.255G>A pathogenic mutation (also known as p.Q85Q), located in coding exon 4 of the BAP1 gene, results from a G to A substitution at nucleotide position 255. This nucleotide substitution does not change the glutamine at codon 85. This change occurs in the last base pair of coding exon 4, which makes it likely to have some effect on normal mRNA splicing. This alteration has been observed in individuals with a personal and/or family history that is consistent with BAP1-related disease (Ambry internal data; external communication). This variant is considered to be rare based on population cohorts in the Genome Aggregation Database (gnomAD). This alteration was non-functional in a high throughput genome editing haploid cell survival functional assay (Waters AJ et al. Nat Genet, 2024 Jul;56:1434-1445). This nucleotide position is highly conserved in available vertebrate species. In silico splice site analysis predicts that this alteration will weaken the native splice donor site and may result in the creation or strengthening of a novel splice donor site. RNA studies have demonstrated that this variant results in abnormal splicing in the set of samples tested (Ambry internal data). Based on the supporting evidence, this variant is interpreted as a disease-causing mutation.

Labcorp Genetics (formerly Invitae), Labcorp
Classification: Uncertain significance for BAP1-related tumor predisposition syndrome. Last evaluated: 2024-04-14. Review status: criteria provided, single submitter. Criteria: Invitae Variant Classification Sherloc (09022015). Collection method: clinical testing. Allele origin: germline.
Comment: This sequence change affects codon 85 of the BAP1 mRNA. It is a 'silent' change, meaning that it does not change the encoded amino acid sequence of the BAP1 protein. This variant also falls at the last nucleotide of exon 4, which is part of the consensus splice site for this exon. This variant is not present in population databases (gnomAD no frequency). This variant has not been reported in the literature in individuals affected with BAP1-related conditions. ClinVar contains an entry for this variant (Variation ID: 2585681). Variants that disrupt the consensus splice site are a relatively common cause of aberrant splicing (PMID: 17576681, 9536098). Studies have shown that this variant is associated with altered splicing resulting in multiple RNA products (Invitae). In summary, the available evidence is currently insufficient to determine the role of this variant in disease. Therefore, it has been classified as a Variant of Uncertain Significance.

Literature cited by the submitters: PubMed 38969833 (cited by Ambry Genetics); PubMed 17576681 (cited by Labcorp Genetics (formerly Invitae), Labcorp); PubMed 9536098 (cited by Labcorp Genetics (formerly Invitae), Labcorp).